The following is an entry in ClinVar:

NM_005993.5(TBCD):c.2366G>C (p.Gly789Ala)

Gene: TBCD (tubulin folding cofactor D). Cytogenetic location: 17q25.3.
Variant type: single nucleotide variant.
Coding change: c.2366G>C on transcript NM_005993.5 (MANE Select); coding-DNA position 2366, G replaced by C.
Protein change: p.Gly789Ala; replaces glycine 789 with alanine.
Molecular consequence: missense variant.
Genome position (GRCh38, 1-based): chr17:82,925,044, G>C. VCF-style: chr17-82925044-G-C. GRCh37 (hg19) VCF-style: chr17-80882920-G-C.
Other names: c.2315G>C, p.Gly772Ala (NM_001411101.1); c.2285G>C, p.Gly762Ala (NM_001411102.1); short protein forms G772A, G789A, G762A.
Identifiers: ClinVar variation 2230666 (VCV002230666.2), dbSNP rs753415681, ClinGen allele CA401633647.

ClinVar aggregate classification (germline): Uncertain significance (1 of 4 stars; one submission).

Conditions:
Inborn genetic diseases. Identifiers: MedGen C0950123, MeSH D030342.

Submission:

Ambry Genetics
Classification: Uncertain significance for Inborn genetic diseases. Last evaluated: 2021-04-28. Review status: criteria provided, single submitter. Criteria: Ambry Variant Classification Scheme 2023. Collection method: clinical testing. Allele origin: germline.
Comment: The c.2366G>C (p.G789A) alteration is located in exon 27 (coding exon 27) of the TBCD gene. This alteration results from a G to C substitution at nucleotide position 2366, causing the glycine (G) at amino acid position 789 to be replaced by an alanine (A). The p.G789A alteration is predicted to be tolerated by in silico analysis. Based on insufficient or conflicting evidence, the clinical significance of this alteration remains unclear.